The following is an entry in ClinVar:

NM_006236.3(POU3F3):c.610G>T (p.Ala204Ser)

Gene: POU3F3 (POU class 3 homeobox 3; plus strand). Cytogenetic location: 2q12.1.
Variant type: single nucleotide variant.
Coding change: c.610G>T on transcript NM_006236.3 (MANE Select); coding-DNA position 610, G replaced by T.
Protein change: p.Ala204Ser; replaces alanine 204 with serine.
Molecular consequence: missense variant.
Genome position (GRCh38, 1-based): chr2:104,856,120, G>T. VCF-style: chr2-104856120-G-T. GRCh37 (hg19) VCF-style: chr2-105472578-G-T.
Other names: short protein forms A204S.
Identifiers: ClinVar variation 3766050 (VCV003766050.2).

ClinVar aggregate classification (germline): Uncertain significance (1 of 4 stars; one submission).

Submission:

GeneDx
Classification: Uncertain significance. Last evaluated: 2025-03-17. Review status: criteria provided, single submitter. Criteria: GeneDx Variant Classification Process June 2021. Collection method: clinical testing. Allele origin: germline.
Comment: Not observed at significant frequency in large population cohorts (gnomAD); In silico analysis indicates that this missense variant does not alter protein structure/function; Has not been previously published as pathogenic or benign to our knowledge